The following is an entry in ClinVar:

NM_001360016.2(G6PD):c.1004C>A (p.Ala335Asp)

Gene: G6PD (glucose-6-phosphate dehydrogenase; minus strand). Cytogenetic location: Xq28.
Variant type: single nucleotide variant.
Coding change: c.1004C>A on transcript NM_001360016.2 (MANE Select); coding-DNA position 1004, C replaced by A.
Protein change: p.Ala335Asp; replaces alanine 335 with aspartic acid.
Molecular consequence: missense variant.
Genome position (GRCh38, 1-based): chrX:154,532,989, G>T on the plus strand (C>A on the coding strand, the complement: G6PD is on the minus strand). VCF-style: chrX-154532989-G-T. GRCh37 (hg19) VCF-style: chrX-153761204-G-T.
Other names: G6PD Fushan; c.1094C>A, p.Ala365Asp (NM_000402.4); c.1004C>A, p.Ala335Asp (NM_001042351.3); short protein forms A335D, A365D.
Identifiers: ClinVar variation 1068217 (VCV001068217.16), dbSNP rs1557229854, ClinGen allele CA415234445.

ClinVar aggregate classification (germline): Pathogenic/Likely pathogenic. Review status: criteria provided, multiple submitters, no conflicts (2 of 4 stars). 4 submissions from 4 submitters: Pathogenic (2); Likely pathogenic (2). Last evaluated 2023-05-18.

Conditions:
Malaria, susceptibility to. Identifiers: Orphanet 673, MedGen C1970028, MONDO:0021024, OMIM 611162.
Anemia, nonspherocytic hemolytic, due to G6PD deficiency (CNSHA1). Also called: Hemolytic anemia due to G6PD deficiency; Class I glucose-6-phosphate dehydrogenase deficiency; Favism, susceptibility to; ANEMIA, CONGENITAL, NONSPHEROCYTIC HEMOLYTIC, 1. Identifiers: Orphanet 466026, MedGen C2720289, MONDO:0010480, OMIM 300908.

Allele frequency attached by ClinVar (database versions not stated): gnomAD exomes below 0.00001 and 0.00001.
gnomAD v4.1: 2 of 1,212,199 alleles (0.00016%); highest among the groups gnomAD compares: East Asian, 0.0059%; no homozygotes.

Submissions (4):

Baylor Genetics
Classification: Likely pathogenic for Malaria, susceptibility to. Last evaluated: 2023-05-18. Review status: criteria provided, single submitter. Criteria: ACMG Guidelines, 2015. Collection method: clinical testing. Allele origin: unknown.

Dunham Lab, University of Washington
Classification: Pathogenic for Anemia, nonspherocytic hemolytic, due to G6PD deficiency. Last evaluated: 2022-08-12. Review status: criteria provided, single submitter. Criteria: Bayesian ACMG Guidelines, 2018. Collection method: curation. Allele origin: unknown. Affected: yes.
Comment: Variant found in unrelated hemizygotes with deficiency, some with anemia (PS4_M, PP4). Decreased activity in red blood cells (11-19%) (PS3). Affects same amino acid as pathogenic 335A>T (ClinVar ID 10363) (PM5). Below expected carrier frequency in gnomAD (PM2). Post_P 0.997 (odds of pathogenicity 3158, Prior_P 0.1).

Labcorp Genetics (formerly Invitae), Labcorp
Classification: Likely pathogenic for Anemia, nonspherocytic hemolytic, due to G6PD deficiency. Last evaluated: 2020-03-29. Review status: criteria provided, single submitter. Criteria: Invitae Variant Classification Sherloc (09022015). Collection method: clinical testing. Allele origin: germline.
Comment: In summary, the currently available evidence indicates that the variant is pathogenic, but additional data are needed to prove that conclusively. Therefore, this variant has been classified as Likely Pathogenic. This variant disrupts the p.Ala335 amino acid residue in G6PD. Other variant(s) that disrupt this residue have been determined to be pathogenic (PMID: 11499668, 16927025, 20602793, 21677401, 22293322, 25548459, 2606066). This suggests that this residue is clinically significant, and that variants that disrupt this residue are likely to be disease-causing. Algorithms developed to predict the effect of missense changes on protein structure and function are either unavailable or do not agree on the potential impact of this missense change (SIFT: "Tolerated"; PolyPhen-2: "Benign"; Align-GVGD: "Class C0"). This variant has been observed in individual(s) with glucose-6-phosphate dehydrogenase deficiency (PMID: 5775246, 15625830, 7803800). This variant is not present in population databases (ExAC no frequency). This sequence change replaces alanine with aspartic acid at codon 335 of the G6PD protein (p.Ala335Asp). The alanine residue is moderately conserved and there is a moderate physicochemical difference between alanine and aspartic acid.

Juno Genomics, Hangzhou Juno Genomics, Inc
Classification: Pathogenic for Anemia, nonspherocytic hemolytic, due to G6PD deficiency. Review status: criteria provided, single submitter. Criteria: ACMG Guidelines, 2015. Collection method: clinical testing. Allele origin: germline.
Comment: Absent from controls (or at extremely low frequency if recessive) in Genome Aggregation Database.;The prevalence of the variant in affected individuals is significantly increased compared to the prevalence in controls.;Patient's phenotype or family history is highly specific for a disease with a single genetic etiology.;Well-established in vitro or in vivo functional studies supportive of a damaging effect on the gene or gene product.;Novel missense change at an amino acid residue where a different missense change determined to be pathogenic has been seen before.

Literature cited by the submitters: PubMed 30045279 (cited by Dunham Lab, University of Washington); PubMed 7803800 (cited by Dunham Lab, University of Washington and Labcorp Genetics (formerly Invitae), Labcorp); PubMed 31489982 (cited by Dunham Lab, University of Washington); PubMed 15625830 (cited by Dunham Lab, University of Washington and Labcorp Genetics (formerly Invitae), Labcorp); PubMed 16607506 (cited by Dunham Lab, University of Washington); PubMed 11499668 (cited by Labcorp Genetics (formerly Invitae), Labcorp); PubMed 16927025 (cited by Labcorp Genetics (formerly Invitae), Labcorp); PubMed 20602793 (cited by Labcorp Genetics (formerly Invitae), Labcorp); PubMed 21677401 (cited by Labcorp Genetics (formerly Invitae), Labcorp); PubMed 22293322 (cited by Labcorp Genetics (formerly Invitae), Labcorp); PubMed 25548459 (cited by Labcorp Genetics (formerly Invitae), Labcorp); PubMed 2606066 (cited by Labcorp Genetics (formerly Invitae), Labcorp); PubMed 5775246 (cited by Labcorp Genetics (formerly Invitae), Labcorp).